The following is an entry in ClinVar:

ClinVar aggregate classification (germline): Benign. Review status: criteria provided, multiple submitters, no conflicts (2 of 4 stars). 4 submissions from 4 submitters: Benign (3). 1 of the submissions does not count toward it. Last evaluated 2026-02-04.

Conditions:
ANKZF1-related disorder. Also called: ANKZF1-related condition.

Allele frequency attached by ClinVar (database versions not stated): 1000 Genomes Project 0.00839; TOPMed 0.01854; ESP Exome Variant Server 0.02370; 1000 Genomes Project 30x 0.00812.
gnomAD v4.1: 43,782 of 1,614,152 alleles (2.7%); highest among the groups gnomAD compares: Non-Finnish European, 3.2%; 754 homozygotes.

Submissions (4):

Labcorp Genetics (formerly Invitae), Labcorp
Classification: Benign. Last evaluated: 2026-02-04. Review status: criteria provided, single submitter. Criteria: Invitae Variant Classification Sherloc (09022015). Collection method: clinical testing. Allele origin: germline.

Mayo Clinic Laboratories, Mayo Clinic
Classification: Benign. Last evaluated: 2024-02-28. Review status: criteria provided, single submitter. Criteria: ACMG Guidelines, 2015. Collection method: clinical testing. Allele origin: germline. Observed: 4 variant alleles.
Comment: BS1, BS2, BP4, BP7

Breakthrough Genomics
Classification: Benign. Review status: criteria provided, single submitter. Criteria: ACMG Guidelines, 2015. Collection method: not provided. Allele origin: germline. Inheritance: Unknown mechanism. Affected: yes.

PreventionGenetics, part of Exact Sciences
Classification: Benign for ANKZF1-related condition. Last evaluated: 2019-09-13. Review status: no assertion criteria provided. Collection method: clinical testing. Allele origin: germline. Not counted in ClinVar's aggregate classification.
Comment: This variant is classified as benign based on ACMG/AMP sequence variant interpretation guidelines (Richards et al. 2015 PMID: 25741868, with internal and published modifications).

NM_018089.3(ANKZF1):c.1927C>A (p.Arg643=)

Gene: ANKZF1 (ankyrin repeat and zinc finger peptidyl tRNA hydrolase 1; plus strand). Cytogenetic location: 2q35.
Variant type: single nucleotide variant.
Coding change: c.1927C>A on transcript NM_018089.3 (MANE Select); coding-DNA position 1927, C replaced by A.
Protein change: p.Arg643=; no amino-acid change (arginine 643 retained).
Molecular consequence: synonymous variant.
Genome position (GRCh38, 1-based): chr2:219,235,831, C>A. VCF-style: chr2-219235831-C-A. GRCh37 (hg19) VCF-style: chr2-220100553-C-A.
Other names: p.Arg643=; c.1927C>A, p.Arg643= (NM_001042410.2); c.1297C>A, p.Arg433= (NM_001282792.2); c.1927C>A (NM_018089.2).
Identifiers: ClinVar variation 1164874 (VCV001164874.13), dbSNP rs150402081, ClinGen allele CA2121229.